The following is an entry in ClinVar:

NM_194323.3(OTOF):c.3600C>T (p.Ile1200=)

Gene: OTOF (otoferlin; minus strand). Cytogenetic location: 2p23.3.
Variant type: single nucleotide variant.
Coding change: c.3600C>T on transcript NM_194323.3 (MANE Plus Clinical); coding-DNA position 3600, C replaced by T.
Protein change: p.Ile1200=; no amino-acid change (isoleucine 1200 retained).
Molecular consequence: synonymous variant. On other transcripts: 3 prime UTR variant (3).
Genome position (GRCh38, 1-based): chr2:26,458,133, G>A on the plus strand (C>T on the coding strand, the complement: OTOF is on the minus strand). VCF-style: chr2-26458133-G-A. GRCh37 (hg19) VCF-style: chr2-26681001-G-A.
Other names: c.5901C>T (NM_001287489.1); c.5901C>T, p.Ile1967= (NM_001287489.2); c.*105C>T (NM_004802.4, NM_194248.3, NM_194322.3).
Identifiers: ClinVar variation 227759 (VCV000227759.11), dbSNP rs145899319, ClinGen allele CA1562624.

ClinVar aggregate classification (germline): Conflicting classifications of pathogenicity. Review status: criteria provided, conflicting classifications (1 of 4 stars). 3 submissions from 3 submitters: Uncertain significance (1); Likely benign (1). 1 of the submissions does not count toward it. Last evaluated 2018-01-12.

Conditions:
OTOF-related disorder. Also called: OTOF-related condition.
Autosomal recessive nonsyndromic hearing loss 9. Also called: AUDITORY NEUROPATHY, AUTOSOMAL RECESSIVE, 1, TEMPERATURE-SENSITIVE; OTOF-Related Hearing Loss; Deafness, autosomal recessive 9; NEUROSENSORY NONSYNDROMIC RECESSIVE DEAFNESS 9. Identifiers: Orphanet 90636, MedGen C1832828, MONDO:0010986, OMIM 601071.

Allele frequency attached by ClinVar (database versions not stated): ExAC 0.00007; gnomAD exomes 0.00008; TOPMed 0.00009; gnomAD 0.00013 and 0.00014; ESP Exome Variant Server 0.00031.
gnomAD v4.1: 277 of 1,614,042 alleles (0.017%); highest among the groups gnomAD compares: Non-Finnish European, 0.023%; no homozygotes.

Submissions (3):

Illumina Laboratory Services, Illumina
Classification: Uncertain significance for Autosomal recessive nonsyndromic hearing loss 9. Last evaluated: 2018-01-12. Review status: criteria provided, single submitter. Criteria: ICSL Variant Classification Criteria 13 December 2019. Collection method: clinical testing. Allele origin: germline.

Laboratory for Molecular Medicine, Mass General Brigham Personalized Medicine
Classification: Likely benign. Last evaluated: 2016-02-26. Review status: criteria provided, single submitter. Criteria: LMM Criteria. Collection method: clinical testing. Allele origin: germline. Observed: 1 variant allele.
Comment: p.Ile1200Ile in exon 29 of OTOF: This variant is not expected to have clinical s ignificance because it does not alter an amino acid residue, is not located with in the splice consensus sequence, and has been identified in 7/65678 European ch romosomes by the Exome Aggregation Consortium (ExAC. org; dbSNP rs145899319).

PreventionGenetics, part of Exact Sciences
Classification: Likely benign for OTOF-related condition. Last evaluated: 2024-01-22. Review status: no assertion criteria provided. Collection method: clinical testing. Allele origin: germline. Not counted in ClinVar's aggregate classification.
Comment: This variant is classified as likely benign based on ACMG/AMP sequence variant interpretation guidelines (Richards et al. 2015 PMID: 25741868, with internal and published modifications).